The following is an entry in ClinVar:

ClinVar aggregate classification (germline): Uncertain significance (1 of 4 stars; one submission).

Allele frequency attached by ClinVar (database versions not stated): TOPMed below 0.00001; gnomAD exomes 0.00002; ExAC 0.00004.
gnomAD v4.1: 23 of 1,574,454 alleles (0.0015%); highest among the groups gnomAD compares: Non-Finnish European, 0.0018%; no homozygotes.

Submission:

Labcorp Genetics (formerly Invitae), Labcorp
Classification: Uncertain significance. Last evaluated: 2022-03-11. Review status: criteria provided, single submitter. Criteria: Invitae Variant Classification Sherloc (09022015). Collection method: clinical testing. Allele origin: germline.
Comment: In summary, the available evidence is currently insufficient to determine the role of this variant in disease. Therefore, it has been classified as a Variant of Uncertain Significance. Algorithms developed to predict the effect of missense changes on protein structure and function (SIFT, PolyPhen-2, Align-GVGD) all suggest that this variant is likely to be disruptive. This variant has not been reported in the literature in individuals affected with GATA3-related conditions. The frequency data for this variant in the population databases is considered unreliable, as metrics indicate poor data quality at this position in the gnomAD database. This sequence change replaces arginine, which is basic and polar, with glycine, which is neutral and non-polar, at codon 69 of the GATA3 protein (p.Arg69Gly).

NM_001002295.2(GATA3):c.205A>G (p.Arg69Gly)

Genes: GATA3 (GATA binding protein 3; plus strand), LOC130003278 (ATAC-STARR-seq lymphoblastoid silent region 2118; plus strand). Cytogenetic location: 10p14.
Variant type: single nucleotide variant.
Coding change: c.205A>G on transcript NM_001002295.2 (MANE Select); coding-DNA position 205, A replaced by G.
Protein change: p.Arg69Gly; replaces arginine 69 with glycine.
Molecular consequence: missense variant.
Genome position (GRCh38, 1-based): chr10:8,055,860, A>G. VCF-style: chr10-8055860-A-G. GRCh37 (hg19) VCF-style: chr10-8097823-A-G.
Other names: c.205A>G, p.Arg69Gly (NM_002051.3); short protein forms R69G.
Identifiers: ClinVar variation 1897006 (VCV001897006.5), dbSNP rs774154154, ClinGen allele CA5404296.
Genomic context (GRCh38, chr10:8,055,860, plus strand): 5'-GTGCTTTTTAACATCGACGGTCAAGGCAACCACGTCCCGCCCTACTACGGAAACTCGGTC[A>G]GGGCCACGGTGCAGAGGTACCCTCCGACCCACCACGGTGAGTGCGCCCGGGGTGCCGGGG-3'
Protein context (NP_001002295.1, residues 59-79): HVPPYYGNSV[Arg69Gly]ATVQRYPPTH